The following is an entry in ClinVar:

NM_012210.4(TRIM32):c.178C>A (p.Arg60Ser)

Genes: ASTN2 (astrotactin 2; minus strand), TRIM32 (tripartite motif containing 32; plus strand). Cytogenetic location: 9q33.1.
Variant type: single nucleotide variant.
Coding change: c.178C>A on transcript NM_012210.4 (MANE Select); coding-DNA position 178, C replaced by A.
Protein change: p.Arg60Ser; replaces arginine 60 with serine.
Molecular consequence: missense variant. On other transcripts: intron variant (3).
Genome position (GRCh38, 1-based): chr9:116,697,920, C>A. VCF-style: chr9-116697920-C-A. GRCh37 (hg19) VCF-style: chr9-119460199-C-A.
Other names: c.178C>A, p.Arg60Ser (NM_001099679.2, NM_001379048.1, NM_001379049.1 and 1 more transcripts); c.2653+27851G>T (NM_014010.5); c.2794+27851G>T (NM_001365069.1); c.2806+27851G>T (NM_001365068.1); short protein forms R60S.
Identifiers: ClinVar variation 1501814 (VCV001501814.6), dbSNP rs1353830472, ClinGen allele CA374647727.
Genomic context (GRCh38, chr9:116,697,920, plus strand): 5'-GGCCATACCATCTGCCGCCAGTGCCTGGAGAAGCTATTGGCCAGTAGCATCAATGGTGTC[C>A]GCTGTCCCTTTTGCAGCAAGATTACCCGCATAACCAGCTTGACCCAGCTGACAGACAATC-3'
Protein context (NP_036342.2, residues 50-70): KLLASSINGV[Arg60Ser]CPFCSKITRI

ClinVar aggregate classification (germline): Uncertain significance (1 of 4 stars; one submission).

Conditions:
Bardet-Biedl syndrome (BBS). Identifiers: Orphanet 110, MedGen C0752166, MONDO:0015229.

Submission:

Labcorp Genetics (formerly Invitae), Labcorp
Classification: Uncertain significance for Bardet-Biedl syndrome. Last evaluated: 2023-12-11. Review status: criteria provided, single submitter. Criteria: Invitae Variant Classification Sherloc (09022015). Collection method: clinical testing. Allele origin: germline.
Comment: This sequence change replaces arginine, which is basic and polar, with serine, which is neutral and polar, at codon 60 of the TRIM32 protein (p.Arg60Ser). This variant is not present in population databases (gnomAD no frequency). This variant has not been reported in the literature in individuals affected with TRIM32-related conditions. ClinVar contains an entry for this variant (Variation ID: 1501814). An algorithm developed to predict the effect of missense changes on protein structure and function (PolyPhen-2) suggests that this variant is likely to be disruptive. In summary, the available evidence is currently insufficient to determine the role of this variant in disease. Therefore, it has been classified as a Variant of Uncertain Significance.